The following is an entry in ClinVar:

ClinVar aggregate classification (germline): Likely pathogenic (1 of 4 stars; one submission).

Conditions:
Cortical dysplasia, complex, with other brain malformations 10. Identifiers: MedGen C5231458, MONDO:0032866, OMIM 618677.

Submission:

3billion
Classification: Likely pathogenic for Cortical dysplasia, complex, with other brain malformations 10. Last evaluated: 2023-02-23. Review status: criteria provided, single submitter. Criteria: ACMG Guidelines, 2015. Collection method: clinical testing. Allele origin: unknown. Affected: yes.
Comment: The variant is not observed in the gnomAD v2.1.1 dataset. This variant was predicted to result in a loss or disruption of normal protein function through protein truncation. The predicted truncated protein may be shortened by more than 10%. Multiple pathogenic variants are reported downstream of the variant. Therefore, this variant is classified as Likely pathogenic according to the recommendation of ACMG/AMP guideline.

NM_005883.3(APC2):c.3397C>T (p.Arg1133Ter)

Gene: APC2 (APC regulator of WNT signaling pathway 2; plus strand). Cytogenetic location: 19p13.3.
Variant type: single nucleotide variant.
Coding change: c.3397C>T on transcript NM_005883.3 (MANE Select); coding-DNA position 3397, C replaced by T.
Protein change: p.Arg1133Ter; replaces arginine 1133 with a stop codon.
Molecular consequence: nonsense.
Genome position (GRCh38, 1-based): chr19:1,466,698, C>T. VCF-style: chr19-1466698-C-T. GRCh37 (hg19) VCF-style: chr19-1466697-C-T.
Other names: c.3394C>T, p.Arg1132Ter (NM_001351273.1); short protein forms R1132*, R1133*.
Identifiers: ClinVar variation 2444065 (VCV002444065.1), dbSNP rs200660071, ClinGen allele CA403030129.